The following is an entry in ClinVar:

ClinVar aggregate classification (germline): Uncertain significance (1 of 4 stars; one submission).

Conditions:
Inborn genetic diseases. Identifiers: MedGen C0950123, MeSH D030342.

Allele frequency attached by ClinVar (database versions not stated): gnomAD 0.00001.
gnomAD v4.1: 4 of 1,613,958 alleles (0.00025%); highest among the groups gnomAD compares: East Asian, 0.0045%; no homozygotes.

Submission:

Ambry Genetics
Classification: Uncertain significance for Inborn genetic diseases. Last evaluated: 2024-12-01. Review status: criteria provided, single submitter. Criteria: Ambry Variant Classification Scheme 2023. Collection method: clinical testing. Allele origin: germline.
Comment: The p.M709V variant (also known as c.2125A>G), located in coding exon 20 of the ANKRD26 gene, results from an A to G substitution at nucleotide position 2125. The methionine at codon 709 is replaced by valine, an amino acid with highly similar properties. This amino acid position is conserved. In addition, this alteration is predicted to be tolerated by in silico analysis. Based on the available evidence, the clinical significance of this variant remains unclear.

NM_014915.3(ANKRD26):c.2125A>G (p.Met709Val)

Gene: ANKRD26 (ankyrin repeat domain containing 26; minus strand). Cytogenetic location: 10p12.1.
Variant type: single nucleotide variant.
Coding change: c.2125A>G on transcript NM_014915.3 (MANE Select); coding-DNA position 2125, A replaced by G.
Protein change: p.Met709Val; replaces methionine 709 with valine.
Molecular consequence: missense variant.
Genome position (GRCh38, 1-based): chr10:27,043,462, T>C on the plus strand (A>G on the coding strand, the complement: ANKRD26 is on the minus strand). VCF-style: chr10-27043462-T-C. GRCh37 (hg19) VCF-style: chr10-27332391-T-C.
Other names: c.2122A>G, p.Met708Val (NM_001256053.2); short protein forms M709V, M708V.
Identifiers: ClinVar variation 3124318 (VCV003124318.2), dbSNP rs370486658, ClinGen allele CA376368779.
Genomic context (GRCh38, chr10:27,043,462, plus strand): 5'-CTTAAATTTATGCAATGGTCCTACCTTTACACTCCATTCCAAGTTGTTCAATGAGCAACA[T>C]AAAATTCTTGTAACTAGAGTGGGGTAGCTCACAATCCTCTGAGGCTGTTTCAGATGACTG-3'
Protein context (NP_055730.2, residues 699-719): ELPHSSYKNF[Met709Val]LLIEQLGMEC